The following is an entry in ClinVar:

ClinVar aggregate classification (germline): Pathogenic (1 of 4 stars; one submission).

Conditions:
Neurofibromatosis, type 1 (NF1). Also called: Peripheral type neurofibromatosis; VON RECKLINGHAUSEN DISEASE; NEUROFIBROMATOSIS, TYPE I, SOMATIC; Neurofibromatosis, type I. Identifiers: Orphanet 636, MedGen C0027831, MONDO:0018975, OMIM 162200. Disease mechanism: loss of function.

Submission:

Labcorp Genetics (formerly Invitae), Labcorp
Classification: Pathogenic for Neurofibromatosis, type 1. Last evaluated: 2018-12-18. Review status: criteria provided, single submitter. Criteria: Invitae Variant Classification Sherloc (09022015). Collection method: clinical testing. Allele origin: germline.
Comment: This variant is a gross deletion of the genomic region encompassing exon 1 of the NF1 gene, which includes the initiator codon. The 5' end of this event is unknown as it extends beyond the assayed region for this gene and therefore may encompass additional genes. The 3' boundary is likely confined to intron 1 of the NF1 gene. This is expected to result in an absent or disrupted protein product. Loss-of-function variants in NF1 are known to be pathogenic. This particular deletion of exon 1 has been reported in individuals affected with neurofibromatosis type 1 (NF1) (PMID:Â¬â€ 16283621). For these reasons, this variant has been classified as Pathogenic.

NC_000017.11:g.(?_31095300)_(31095379_?)del

Genes: MIR4733HG (MIR4733 host gene; minus strand), NF1 (neurofibromin 1; plus strand), LOC111811965 (NF1 (neurofibromin 1) promoter region; plus strand). Cytogenetic location: 17q11.2.
Variant type: Deletion.
Identifiers: ClinVar variation 583860 (VCV000583860.2).